The following is an entry in ClinVar:

NM_000059.4(BRCA2):c.3962A>G (p.Asp1321Gly)

Gene: BRCA2 (BRCA2 DNA repair associated; plus strand). Cytogenetic location: 13q13.1.
Variant type: single nucleotide variant.
Coding change: c.3962A>G on transcript NM_000059.4 (MANE Select); coding-DNA position 3962, A replaced by G.
Protein change: p.Asp1321Gly; replaces aspartic acid 1321 with glycine.
Molecular consequence: missense variant.
Genome position (GRCh38, 1-based): chr13:32,338,317, A>G. VCF-style: chr13-32338317-A-G. GRCh37 (hg19) VCF-style: chr13-32912454-A-G.
Other names: p.D1321G:GAT>GGT; short protein forms D1321G.
Identifiers: ClinVar variation 51574 (VCV000051574.38), dbSNP rs80358645, ClinGen allele CA019277.

ClinVar aggregate classification (germline): Conflicting classifications of pathogenicity. Review status: criteria provided, conflicting classifications (1 of 4 stars). 12 submissions from 12 submitters: Uncertain significance (3); Likely benign (7). 2 of the submissions do not count toward it. Last evaluated 2025-10-31.

Conditions:
Hereditary breast ovarian cancer syndrome. Also called: Hereditary breast and ovarian cancer syndrome; Hereditary breast and ovarian cancer; Hereditary breast and ovarian cancer syndrome (HBOC); Breast and ovarian cancer; Hereditary breast and/or ovarian cancer syndrome; BRCA1- and BRCA2-Associated Hereditary Breast and Ovarian Cancer. Identifiers: Orphanet 145, MedGen C0677776, MeSH D061325, MONDO:0003582. Disease mechanism: loss of function.
Breast-ovarian cancer, familial, susceptibility to, 2 (BROVCA2). Also called: BRCA2 Hereditary Breast and Ovarian Cancer. Identifiers: Orphanet 145, MedGen C2675520, MONDO:0012933, OMIM 612555. Disease mechanism: loss of function.
Hereditary cancer-predisposing syndrome. Also called: Neoplastic Syndromes, Hereditary; Tumor predisposition; Hereditary Cancer Syndrome; Hereditary neoplastic syndrome. Identifiers: Orphanet 140162, MedGen C0027672, MeSH D009386, MONDO:0015356.
Familial colorectal cancer type X. Identifiers: Orphanet 440437, MedGen C3896578, MONDO:0018604.

Allele frequency attached by ClinVar (database versions not stated): ExAC 0.00001; gnomAD exomes 0.00002.
gnomAD v4.1: 24 of 1,585,496 alleles (0.0015%); highest among the groups gnomAD compares: Non-Finnish European, 0.0021%; no homozygotes.

Submissions (12):

Labcorp Genetics (formerly Invitae), Labcorp
Classification: Likely benign for Hereditary breast ovarian cancer syndrome. Last evaluated: 2025-10-31. Review status: criteria provided, single submitter. Criteria: Invitae Variant Classification Sherloc (09022015). Collection method: clinical testing. Allele origin: germline.

Center for Genomic Medicine, Rigshospitalet, Copenhagen University Hospital
Classification: Likely benign. Last evaluated: 2025-03-04. Review status: criteria provided, single submitter. Criteria: ACMG Guidelines, 2015. Collection method: clinical testing. Allele origin: germline.

Ambry Genetics
Classification: Likely benign for Hereditary cancer-predisposing syndrome. Last evaluated: 2024-11-11. Review status: criteria provided, single submitter. Criteria: Ambry Variant Classification Scheme 2023. Collection method: clinical testing. Allele origin: germline.

ARUP Laboratories, Molecular Genetics and Genomics, ARUP Laboratories
Classification: Likely benign. Last evaluated: 2024-06-03. Review status: criteria provided, single submitter. Criteria: ARUP Molecular Germline Variant Investigation Process 2024. Collection method: clinical testing. Allele origin: germline.

All of Us Research Program, National Institutes of Health
Classification: Likely benign for Breast-ovarian cancer, familial, susceptibility to, 2. Last evaluated: 2024-02-05. Review status: criteria provided, single submitter. Criteria: ACMG Guidelines, 2015. Collection method: clinical testing. Allele origin: germline. Inheritance: Autosomal dominant inheritance. Observed: 3 variant alleles, 3 heterozygotes.
Comment: This study involves interpretation of variants in research participants for the purpose of population health screening. Participant phenotype was not available at the time of variant classification. Additional details can be found in publication PMID: 35346344, PMCID: PMC8962531

Department of Pathology and Laboratory Medicine, Sinai Health System
Classification: Uncertain significance for Familial colorectal cancer type X. Last evaluated: 2024-01-08. Review status: criteria provided, single submitter. Criteria: ACMG Guidelines, 2015. Collection method: clinical testing. Allele origin: germline. Affected: yes.

University of Washington Department of Laboratory Medicine, University of Washington
Classification: Likely benign for Hereditary cancer-predisposing syndrome. Last evaluated: 2023-03-23. Review status: criteria provided, single submitter. Criteria: Dines et al. (Genet Med. 2020). Collection method: curation. Allele origin: germline.
Comment: Missense variant in a coldspot region where missense variants are very unlikely to be pathogenic (PMID:31911673).

BRCA2 exon 11 coldspot. Reclassification based on statistical prior probability.

Color Diagnostics, LLC DBA Color Health
Classification: Likely benign for Hereditary cancer-predisposing syndrome. Last evaluated: 2022-12-08. Review status: criteria provided, single submitter. Criteria: ACMG Guidelines, 2015. Collection method: clinical testing. Allele origin: germline.

Institute for Clinical Genetics, University Hospital TU Dresden, University Hospital TU Dresden
Classification: Uncertain significance. Last evaluated: 2021-11-03. Review status: criteria provided, single submitter. Criteria: ACMG Guidelines, 2015. Collection method: clinical testing. Allele origin: germline.

GeneDx
Classification: Uncertain significance. Last evaluated: 2015-02-25. Review status: criteria provided, single submitter. Criteria: GeneDx Variant Classification (06012015). Collection method: clinical testing. Allele origin: germline. Affected: yes.
Comment: This variant is denoted BRCA2 c.3962A>G at the cDNA level, p.Asp1321Gly (D1321G) at the protein level, and results in the change of an Aspartic Acid to a Glycine (GAT>GGT). Using alternate nomenclature, this variant would be defined as BRCA2 4190A>G. This variant has not, to our knowledge, been published in the literature as pathogenic or benign. BRCA2 Asp1321Gly was not observed in approximately 6,500 individuals of European and African American ancestry in the NHLBI Exome Sequencing Project, indicating it is not a common benign variant in these populations. Since Aspartic Acid and Glycine differ in polarity, charge, size or other properties, this is considered a non-conservative amino acid substitution. BRCA2 Asp1321Gly occurs at a position that is moderately conserved across species and is not located in a known functional domain (UniProt, Borg 2010). In silico analyses predict that this variant is unlikely to alter protein structure or function. Based on currently available information, it is unclear whether BRCA2 Asp1321Gly is pathogenic or benign. We consider it to be a variant of uncertain significance.

BRCAlab, Lund University
Classification: Likely benign for Breast-ovarian cancer, familial, susceptibility to, 2. Last evaluated: 2020-03-02. Review status: no assertion criteria provided. Collection method: clinical testing. Allele origin: germline. Affected: yes. Not counted in ClinVar's aggregate classification.

Breast Cancer Information Core (BIC) (BRCA2)
Classification: Uncertain significance for Breast-ovarian cancer, familial 2. Last evaluated: 2003-12-23. Review status: no assertion criteria provided. Collection method: clinical testing. Allele origin: germline. Affected: yes. Observed: 1 variant allele. Not counted in ClinVar's aggregate classification.

Literature cited by the submitters: PubMed 31336956 (cited by Ambry Genetics and Department of Pathology and Laboratory Medicine, Sinai Health System); PubMed 32438681 (cited by Ambry Genetics and Department of Pathology and Laboratory Medicine, Sinai Health System); PubMed 33471991 (cited by Department of Pathology and Laboratory Medicine, Sinai Health System).